The following is an entry in ClinVar:

ClinVar aggregate classification (germline): Uncertain significance (1 of 4 stars; one submission).

Conditions:
GTP cyclohydrolase I deficiency. Identifiers: MedGen C0268467, MONDO:0100184.
Dystonia 5 (DRD). Also called: DYSTONIA, PROGRESSIVE, WITH DIURNAL VARIATION; DYSTONIA-PARKINSONISM WITH DIURNAL FLUCTUATION; GTP Cyclohydrolase 1-Deficient Dopa-Responsive Dystonia; Dystonia, DOPA-responsive, with or without hyperphenylalaninemia; DYT-GCH1. Identifiers: Orphanet 98808, MedGen C1851920, MONDO:0007495, OMIM 128230.

Submission:

Labcorp Genetics (formerly Invitae), Labcorp
Classification: Uncertain significance for GTP cyclohydrolase I deficiency; Dystonia 5. Last evaluated: 2025-08-18. Review status: criteria provided, single submitter. Criteria: Invitae Variant Classification Sherloc (09022015). Collection method: clinical testing. Allele origin: germline.
Comment: This sequence change replaces serine, which is neutral and polar, with isoleucine, which is neutral and non-polar, at codon 250 of the GCH1 protein (p.Ser250Ile). This variant is not present in population databases (gnomAD no frequency). This variant has not been reported in the literature in individuals affected with GCH1-related conditions. An algorithm developed to predict the effect of missense changes on protein structure and function (PolyPhen-2) suggests that this variant is likely to be disruptive. In summary, the available evidence is currently insufficient to determine the role of this variant in disease. Therefore, it has been classified as a Variant of Uncertain Significance.

NM_000161.3(GCH1):c.749G>T (p.Ser250Ile)

Gene: GCH1 (GTP cyclohydrolase 1; minus strand). Cytogenetic location: 14q22.2.
Variant type: single nucleotide variant.
Coding change: c.749G>T on transcript NM_000161.3 (MANE Select); coding-DNA position 749, G replaced by T.
Protein change: p.Ser250Ile; replaces serine 250 with isoleucine.
Molecular consequence: missense variant. On other transcripts: intron variant (3).
Genome position (GRCh38, 1-based): chr14:54,844,021, C>A on the plus strand (G>T on the coding strand, the complement: GCH1 is on the minus strand). VCF-style: chr14-54844021-C-A. GRCh37 (hg19) VCF-style: chr14-55310739-C-A.
Other names: c.749G>T, p.Ser250Ile (NM_001024024.2); c.455G>T, p.Ser152Ile (NM_001424105.1); c.510-967G>T (NM_001424104.1); c.627-967G>T (NM_001024071.2); c.627-152G>T (NM_001024070.2); short protein forms S250I, S152I.
Identifiers: ClinVar variation 4785877 (VCV004785877.1).